The following is an entry in ClinVar:

ClinVar aggregate classification (germline): Uncertain significance. Review status: criteria provided, multiple submitters, no conflicts (2 of 4 stars). 2 submissions from 2 submitters: Uncertain significance (2). Last evaluated 2025-04-11.

Conditions:
Hereditary cancer-predisposing syndrome. Also called: Neoplastic Syndromes, Hereditary; Tumor predisposition; Hereditary Cancer Syndrome; Hereditary neoplastic syndrome. Identifiers: Orphanet 140162, MedGen C0027672, MeSH D009386, MONDO:0015356.
Familial cancer of breast. Also called: hereditary breast carcinoma; Hereditary breast cancer; BREAST CANCER, FAMILIAL. Identifiers: Orphanet 227535, MedGen C0346153, MONDO:0016419, OMIM 114480. Disease mechanism: loss of function.

Submissions (2):

Ambry Genetics
Classification: Uncertain significance for Hereditary cancer-predisposing syndrome. Last evaluated: 2025-04-11. Review status: criteria provided, single submitter. Criteria: Ambry Variant Classification Scheme 2023. Collection method: clinical testing. Allele origin: germline.
Comment: The p.K494R variant (also known as c.1481A>G), located in coding exon 13 of the CHEK2 gene, results from an A to G substitution at nucleotide position 1481. The lysine at codon 494 is replaced by arginine, an amino acid with highly similar properties. This amino acid position is conserved. In addition, this alteration is predicted to be tolerated by in silico analysis. Based on the available evidence, the clinical significance of this variant remains unclear.

Labcorp Genetics (formerly Invitae), Labcorp
Classification: Uncertain significance for Familial cancer of breast. Last evaluated: 2023-06-10. Review status: criteria provided, single submitter. Criteria: Invitae Variant Classification Sherloc (09022015). Collection method: clinical testing. Allele origin: germline.
Comment: In summary, the available evidence is currently insufficient to determine the role of this variant in disease. Therefore, it has been classified as a Variant of Uncertain Significance. Algorithms developed to predict the effect of missense changes on protein structure and function output the following: SIFT: "Not Available"; PolyPhen-2: "Benign"; Align-GVGD: "Not Available". The arginine amino acid residue is found in multiple mammalian species, which suggests that this missense change does not adversely affect protein function. ClinVar contains an entry for this variant (Variation ID: 651099). This variant has not been reported in the literature in individuals affected with CHEK2-related conditions. This variant is not present in population databases (gnomAD no frequency). This sequence change replaces lysine, which is basic and polar, with arginine, which is basic and polar, at codon 494 of the CHEK2 protein (p.Lys494Arg).

NM_007194.4(CHEK2):c.1481A>G (p.Lys494Arg)

Gene: CHEK2 (checkpoint kinase 2; minus strand). Cytogenetic location: 22q12.1.
Variant type: single nucleotide variant.
Coding change: c.1481A>G on transcript NM_007194.4 (MANE Select); coding-DNA position 1481, A replaced by G.
Protein change: p.Lys494Arg; replaces lysine 494 with arginine.
Molecular consequence: missense variant.
Genome position (GRCh38, 1-based): chr22:28,689,196, T>C on the plus strand (A>G on the coding strand, the complement: CHEK2 is on the minus strand). VCF-style: chr22-28689196-T-C. GRCh37 (hg19) VCF-style: chr22-29085184-T-C.
Other names: c.1610A>G, p.Lys537Arg (NM_001005735.3); c.818A>G, p.Lys273Arg (NM_001257387.3); c.1280A>G, p.Lys427Arg (NM_001349956.3); c.1394A>G, p.Lys465Arg (NM_145862.3); short protein forms K427R, K273R, K494R, K537R, K465R.
Identifiers: ClinVar variation 651099 (VCV000651099.10), dbSNP rs1601702380, ClinGen allele CA411092572.